The following is an entry in ClinVar:

NM_001267550.2(TTN):c.93554G>A (p.Arg31185His)

Genes: TTN (titin; minus strand), TTN-AS1 (TTN antisense RNA 1; plus strand). Cytogenetic location: 2q31.2.
Variant type: single nucleotide variant.
Coding change: c.93554G>A on transcript NM_001267550.2 (MANE Select); coding-DNA position 93554, G replaced by A.
Protein change: p.Arg31185His; replaces arginine 31185 with histidine.
Molecular consequence: missense variant.
Genome position (GRCh38, 1-based): chr2:178,548,072, C>T on the plus strand (G>A on the coding strand, the complement: TTN is on the minus strand). VCF-style: chr2-178548072-C-T. GRCh37 (hg19) VCF-style: chr2-179412799-C-T.
Other names: c.88631G>A, p.Arg29544His (NM_001256850.1); c.66359G>A, p.Arg22120His (NM_003319.4); c.85850G>A, p.Arg28617His (NM_133378.4); c.66734G>A, p.Arg22245His (NM_133432.3); c.66935G>A, p.Arg22312His (NM_133437.4); short protein forms R22245H, R28617H, R22120H, R29544H, R22312H, R31185H.
Identifiers: ClinVar variation 4977592 (VCV004977592.1).

ClinVar aggregate classification (germline): Uncertain significance (1 of 4 stars; one submission).

Conditions:
TTN-related disorder. Also called: TTN-related condition; TTN-related disease; TTN-related disorders.

gnomAD v4.1: 35 of 1,613,726 alleles (0.0022%); highest among the groups gnomAD compares: South Asian, 0.011%; no homozygotes.

Submission:

PreventionGenetics, part of Exact Sciences
Classification: Uncertain significance for TTN-related condition. Last evaluated: 2025-08-19. Review status: criteria provided, single submitter. Criteria: ACMG Guidelines, 2015. Collection method: clinical testing. Allele origin: germline.
Comment: The TTN c.93554G>A variant is predicted to result in the amino acid substitution p.Arg31185His. To our knowledge, this variant has not been reported in the literature. This variant is reported in 0.013% of alleles in individuals of South Asian descent in gnomAD. At this time, the clinical significance of this variant is uncertain due to the absence of conclusive functional and genetic evidence.